The following is an entry in ClinVar:

NM_004369.4(COL6A3):c.958G>A (p.Ala320Thr)

Gene: COL6A3 (collagen type VI alpha 3 chain; minus strand). Cytogenetic location: 2q37.3.
Variant type: single nucleotide variant.
Coding change: c.958G>A on transcript NM_004369.4 (MANE Select); coding-DNA position 958, G replaced by A.
Protein change: p.Ala320Thr; replaces alanine 320 with threonine.
Molecular consequence: missense variant. On other transcripts: intron variant (2).
Genome position (GRCh38, 1-based): chr2:237,387,936, C>T on the plus strand (G>A on the coding strand, the complement: COL6A3 is on the minus strand). VCF-style: chr2-237387936-C-T. GRCh37 (hg19) VCF-style: chr2-238296579-C-T.
Other names: c.340G>A, p.Ala114Thr (NM_057165.5, NM_057167.4); c.92-6437G>A (NM_057166.5, NM_057164.5); short protein forms A320T, A114T.
Identifiers: ClinVar variation 282445 (VCV000282445.33), dbSNP rs115819851, ClinGen allele CA2189740.

ClinVar aggregate classification (germline): Conflicting classifications of pathogenicity. Review status: criteria provided, conflicting classifications (1 of 4 stars). 5 submissions from 5 submitters: Uncertain significance (1); Benign (1); Likely benign (3). Last evaluated 2026-01-30.

Conditions:
Bethlem myopathy 1A. Also called: Bethlem myopathy 1; MYOPATHY, BENIGN CONGENITAL, WITH CONTRACTURES; Bethlem Muscular Dystrophy. Identifiers: Orphanet 610, MedGen CN029274, MONDO:0024530, OMIM 158810.
Dystonia 27 (DYT27). Identifiers: Orphanet 464440, MedGen C4225336, MONDO:0014627, OMIM 616411.
Ullrich congenital muscular dystrophy 1A. Also called: Ullrich congenital muscular dystrophy 1; Intermediate COL6-RD. Identifiers: Orphanet 75840, MedGen C0410179, MONDO:0009681, OMIM 254090.
Collagen 6-related myopathy. Identifiers: MedGen CN117976, MONDO:0100225.

Allele frequency attached by ClinVar (database versions not stated): ESP Exome Variant Server 0.00008; gnomAD exomes 0.00008 and 0.00035; gnomAD 0.00017 and 0.00019; TOPMed 0.00018; ExAC 0.00027; 1000 Genomes Project 30x 0.00078; 1000 Genomes Project 0.00080.
gnomAD v4.1: 144 of 1,614,222 alleles (0.0089%); highest among the groups gnomAD compares: East Asian, 0.21%; 1 homozygote.

Submissions (5):

Labcorp Genetics (formerly Invitae), Labcorp
Classification: Likely benign for Bethlem myopathy 1A. Last evaluated: 2026-01-30. Review status: criteria provided, single submitter. Criteria: Invitae Variant Classification Sherloc (09022015). Collection method: clinical testing. Allele origin: germline.

Department of Neurology, Xijing Hospital, Fourth Military Medical University
Classification: Uncertain significance for Dystonia 27. Last evaluated: 2022-03-01. Review status: criteria provided, single submitter. Criteria: ACMG Guidelines, 2015. Collection method: clinical testing. Allele origin: germline.

Fulgent Genetics
Classification: Likely benign for Bethlem myopathy 1A; Ullrich congenital muscular dystrophy 1A; Dystonia 27. Last evaluated: 2021-10-14. Review status: criteria provided, single submitter. Criteria: ACMG Guidelines, 2015. Collection method: clinical testing. Allele origin: unknown.

Illumina Laboratory Services, Illumina
Classification: Benign for Collagen VI-related myopathy. Last evaluated: 2018-01-13. Review status: criteria provided, single submitter. Criteria: ICSL Variant Classification Criteria 13 December 2019. Collection method: clinical testing. Allele origin: germline.
Comment: This variant was observed in the ICSL laboratory as part of a predisposition screen in an ostensibly healthy population. It had not been previously curated by ICSL or reported in the Human Gene Mutation Database (HGMD: prior to June 1st, 2018), and was therefore a candidate for classification through an automated scoring system. Utilizing variant allele frequency, disease prevalence and penetrance estimates, and inheritance mode, an automated score was calculated to assess if this variant is too frequent to cause the disease. Based on the score and internal cut-off values, a variant classified as benign is not then subjected to further curation. The score for this variant resulted in a classification of benign for this disease.

Eurofins Ntd Llc (ga)
Classification: Likely benign. Last evaluated: 2017-02-24. Review status: criteria provided, single submitter. Criteria: EGL Classification Definitions 2015. Collection method: clinical testing. Allele origin: germline. Observed: 2 variant alleles, 2 heterozygotes.